The following is an entry in ClinVar:

ClinVar aggregate classification (germline): Pathogenic (1 of 4 stars; one submission).

Conditions:
Primary ciliary dyskinesia. Also called: Ciliary dyskinesia. Identifiers: Orphanet 244, MedGen C0008780, MONDO:0016575, HP:0012265.

Submission:

Labcorp Genetics (formerly Invitae), Labcorp
Classification: Pathogenic for Primary ciliary dyskinesia. Last evaluated: 2023-10-11. Review status: criteria provided, single submitter. Criteria: Invitae Variant Classification Sherloc (09022015). Collection method: clinical testing. Allele origin: unknown.
Comment: This variant is a gross deletion of the genomic region encompassing exon(s) 32-35 of the DNAH5 gene. This variant would be expected to be in-frame, preserving the integrity of the reading frame. This variant has not been reported in the literature in individuals affected with DNAH5-related conditions. This variant disrupts a region of the DNAH5 protein in which other variant(s) (p.Gln1861) have been determined to be pathogenic (Invitae). This suggests that this is a clinically significant region of the protein, and that variants that disrupt it are likely to be disease-causing. For these reasons, this variant has been classified as Pathogenic.

NC_000005.9:g.(?_13839445)_(13845122_?)del

Gene: DNAH5 (dynein axonemal heavy chain 5; minus strand). Cytogenetic location: 5p15.2.
Variant type: Deletion.
Identifiers: ClinVar variation 3246258 (VCV003246258.1).